The following is an entry in ClinVar:

ClinVar aggregate classification (germline): Pathogenic/Likely pathogenic. Review status: criteria provided, multiple submitters, no conflicts (2 of 4 stars). 7 submissions from 7 submitters: Pathogenic (6); Likely pathogenic (1). Last evaluated 2025-07-31.

Conditions:
Retinitis pigmentosa (RP). Identifiers: Orphanet 791, MedGen C0035334, MeSH D012174, MONDO:0019200, OMIM 268000. Inheritance: Autosomal dominant, autosomal recessive and X linked inheritance.
RHO-related disorder. Also called: RHO-related condition.
Retinitis pigmentosa 4 (RP4). Also called: RETINITIS PIGMENTOSA, RHODOPSIN-RELATED. Identifiers: Orphanet 791, MedGen C3151001, MONDO:0013395, OMIM 613731.

Submissions (7):

GeneDx
Classification: Pathogenic. Last evaluated: 2025-07-31. Review status: criteria provided, single submitter. Criteria: GeneDx Variant Classification Process June 2021. Collection method: clinical testing. Allele origin: germline. Affected: yes.
Comment: Published functional studies demonstrate a damaging effect with very low level of cell surface expression (PMID: 30977563); Not observed at significant frequency in large population cohorts (gnomAD); In silico analysis supports that this missense variant has a deleterious effect on protein structure/function; This variant is associated with the following publications: (PMID: 32531858, 21094163, 12646201, 29099798, 11139241, 34327195, 7987326, 37217489, 16799052, 30977563)

Labcorp Genetics (formerly Invitae), Labcorp
Classification: Pathogenic. Last evaluated: 2025-03-30. Review status: criteria provided, single submitter. Criteria: Invitae Variant Classification Sherloc (09022015). Collection method: clinical testing. Allele origin: germline.
Comment: This sequence change replaces proline, which is neutral and non-polar, with glutamine, which is neutral and polar, at codon 171 of the RHO protein (p.Pro171Gln). This variant is not present in population databases (gnomAD no frequency). This missense change has been observed in individuals with autosomal dominant retinitis pigmentosa (PMID: 7987326, 11139241; internal data). ClinVar contains an entry for this variant (Variation ID: 866418). Invitae Evidence Modeling of protein sequence and biophysical properties (such as structural, functional, and spatial information, amino acid conservation, physicochemical variation, residue mobility, and thermodynamic stability) indicates that this missense variant is expected to disrupt RHO protein function with a positive predictive value of 95%. Experimental studies have shown that this missense change affects RHO function (PMID: 30977563). This variant disrupts the p.Pro171 amino acid residue in RHO. Other variant(s) that disrupt this residue have been determined to be pathogenic (PMID: 1833777, 8253795, 29847639). This suggests that this residue is clinically significant, and that variants that disrupt this residue are likely to be disease-causing. For these reasons, this variant has been classified as Pathogenic.

Victorian Clinical Genetics Services, Murdoch Childrens Research Institute
Classification: Pathogenic for Retinitis pigmentosa 4. Last evaluated: 2023-07-17. Review status: criteria provided, single submitter. Criteria: ACMG Guidelines, 2015. Collection method: clinical testing. Allele origin: germline. Inheritance: Autosomal dominant inheritance. Affected: yes.
Comment: Based on the classification scheme VCGS_Germline_v1.3.4, this variant is classified as Pathogenic. Following criteria are met: 0102 - Loss of function is a known mechanism of disease in this gene and is associated with RHO-related conditions. (I) 0108 - This gene is associated with both recessive and dominant disease (OMIM). (I) 0115 - Variants in this gene are known to have variable expressivity. Variants associated with dominant conditions in this gene are known to have variable expressivity and age of onset (PMID: 26887858). (I) 0200 - Variant is predicted to result in a missense amino acid change from proline to glutamine. (I) 0251 - This variant is heterozygous. (I) 0301 - Variant is absent from gnomAD (both v2 and v3). (SP) 0309 - An alternative amino acid change at the same position has been observed in gnomAD (v2) (1 heterozygote, 0 homozygotes). (I) 0502 - Missense variant with conflicting in silico predictions and high conservation. (I) 0600 - Variant is located in the annotated 7 transmembrane receptor (rhodopsin family) domain (DECIPHER). (I) 0702 - Other missense variants comparable to the one identified in this case have strong previous evidence for pathogenicity. p.(Pro171Arg), p.(Pro171Leu) and p.(Pro171Ser) have been classified as pathogenic by clinical laboratories in ClinVar, and the latter has also been observed in a family with autosomal dominant retinitis pigmentosa in the literature (PMID: 11139241). (SP) 0801 - This variant has strong previous evidence of pathogenicity in unrelated individuals. This variant has been classified as pathogenic by several clinical laboratories in ClinVar, and has been observed in several individuals with autosomal dominant retinitis pigmentosa in the literature (PMIDs: 11139241, 29099798, 7987326). (SP) 1208 - Inheritance information for this variant is not currently available in this individual. (I) Legend: (SP) - Supporting pathogenic, (I) - Information, (SB) - Supporting benign

Blueprint Genetics
Classification: Pathogenic for RHO-related disorders. Last evaluated: 2022-01-26. Review status: criteria provided, single submitter. Criteria: ACMG Guidelines, 2015. Collection method: clinical testing. Allele origin: germline. Affected: yes. Observed: 2 variant alleles.

Broad Center for Mendelian Genomics, Broad Institute of MIT and Harvard
Classification: Likely pathogenic for Retinitis pigmentosa. Last evaluated: 2021-04-01. Review status: criteria provided, single submitter. Criteria: ACMG Guidelines, 2015. Collection method: curation. Allele origin: germline. Inheritance: Autosomal dominant inheritance. Affected: yes.
Comment: Through a review of available evidence we were able to apply the following criteria: PM2, PP3, PM1, PS3. Based on this evidence we have classified this variant as Likely Pathogenic. If you have any questions about the classification please reach out to the Pierce Lab.

Centre for Genomic Medicine, Manchester, Central Manchester University Hospitals
Classification: Pathogenic for Retinitis pigmentosa 4. Last evaluated: 2020-09-01. Review status: criteria provided, single submitter. Criteria: ACMG Guidelines, 2015. Collection method: clinical testing. Allele origin: germline. Affected: yes. Observed: 1 heterozygote.

CeGaT Center for Human Genetics Tuebingen
Classification: Pathogenic. Last evaluated: 2019-02-01. Review status: criteria provided, single submitter. Criteria: CeGaT Center For Human Genetics Tuebingen Variant Classification Criteria Version 2. Collection method: clinical testing. Allele origin: germline. Affected: yes. Observed: 2 variant alleles.

Literature cited by the submitters: PubMed 7987326 (cited by 3 submitters); PubMed 11139241 (cited by 3 submitters); PubMed 30977563 (cited by Labcorp Genetics (formerly Invitae), Labcorp and Broad Center for Mendelian Genomics, Broad Institute of MIT and Harvard); PubMed 1833777 (cited by Labcorp Genetics (formerly Invitae), Labcorp); PubMed 8253795 (cited by Labcorp Genetics (formerly Invitae), Labcorp); PubMed 29847639 (cited by Labcorp Genetics (formerly Invitae), Labcorp); PubMed 26887858 (cited by Victorian Clinical Genetics Services, Murdoch Childrens Research Institute); PubMed 29099798 (cited by Victorian Clinical Genetics Services, Murdoch Childrens Research Institute and Broad Center for Mendelian Genomics, Broad Institute of MIT and Harvard); PubMed 34906470 (cited by Broad Center for Mendelian Genomics, Broad Institute of MIT and Harvard); PubMed 21094163 (cited by Broad Center for Mendelian Genomics, Broad Institute of MIT and Harvard).

NM_000539.3(RHO):c.512C>A (p.Pro171Gln)

Gene: RHO (rhodopsin; plus strand). Cytogenetic location: 3q22.1.
Variant type: single nucleotide variant.
Coding change: c.512C>A on transcript NM_000539.3 (MANE Select); coding-DNA position 512, C replaced by A.
Protein change: p.Pro171Gln; replaces proline 171 with glutamine.
Molecular consequence: missense variant.
Genome position (GRCh38, 1-based): chr3:129,531,026, C>A. VCF-style: chr3-129531026-C-A. GRCh37 (hg19) VCF-style: chr3-129249869-C-A.
Other names: short protein forms P171Q.
Identifiers: ClinVar variation 866418 (VCV000866418.55), dbSNP rs2084776162, ClinGen allele CA354498726.
Genomic context (GRCh38, chr3:129,531,026, plus strand): 5'-ACCATGCCATCATGGGCGTTGCCTTCACCTGGGTCATGGCGCTGGCCTGCGCCGCACCCC[C>A]ACTCGCCGGCTGGTCCAGGTAATGGCACTGAGCAGAAGGGAAGAAGCTCCGGGGGCTCTT-3'
Protein context (NP_000530.1, residues 161-181): WVMALACAAP[Pro171Gln]LAGWSRYIPE